The following is an entry in ClinVar:

ClinVar aggregate classification (germline): Uncertain significance. Review status: criteria provided, multiple submitters, no conflicts (2 of 4 stars). 3 submissions from 3 submitters: Uncertain significance (3). Last evaluated 2026-02-04.

Allele frequency attached by ClinVar (database versions not stated): ExAC 0.00002; gnomAD exomes 0.00002; TOPMed 0.00003; gnomAD 0.00005; ESP Exome Variant Server 0.00008.
gnomAD v4.1: 34 of 1,614,102 alleles (0.0021%); highest among the groups gnomAD compares: African/African-American, 0.017%; no homozygotes.

Submissions (3):

Women's Health and Genetics/Laboratory Corporation of America, LabCorp
Classification: Uncertain significance. Last evaluated: 2026-02-04. Review status: criteria provided, single submitter. Criteria: LabCorp Variant Classification Summary - May 2015. Collection method: clinical testing. Allele origin: germline.
Comment: Variant summary: TRAK1 c.2506G>A (p.Val836Met) results in a conservative amino acid change in the encoded protein sequence. Algorithms developed to predict the effect of missense changes on protein structure and function are either unavailable or do not agree on the potential impact of this missense change. The variant allele was found at a frequency of 2.4e-05 in 249300 control chromosomes. The available data on variant occurrences in the general population are insufficient to allow any conclusion about variant significance. To our knowledge, no occurrence of c.2506G>A in individuals affected with TRAK1-related conditions and no experimental evidence demonstrating its impact on protein function have been reported. ClinVar contains an entry for this variant (Variation ID: 2197617). Based on the evidence outlined above, the variant was classified as uncertain significance.

Blueprint Genetics
Classification: Uncertain significance. Last evaluated: 2024-11-24. Review status: criteria provided, single submitter. Criteria: ACMG Guidelines, 2015. Collection method: clinical testing. Allele origin: germline.

Labcorp Genetics (formerly Invitae), Labcorp
Classification: Uncertain significance. Last evaluated: 2024-10-16. Review status: criteria provided, single submitter. Criteria: Invitae Variant Classification Sherloc (09022015). Collection method: clinical testing. Allele origin: germline.
Comment: This sequence change replaces valine, which is neutral and non-polar, with methionine, which is neutral and non-polar, at codon 836 of the TRAK1 protein (p.Val836Met). This variant is present in population databases (rs369311365, gnomAD 0.01%). This variant has not been reported in the literature in individuals affected with TRAK1-related conditions. ClinVar contains an entry for this variant (Variation ID: 2197617). An algorithm developed to predict the effect of missense changes on protein structure and function (PolyPhen-2) suggests that this variant is likely to be disruptive. In summary, the available evidence is currently insufficient to determine the role of this variant in disease. Therefore, it has been classified as a Variant of Uncertain Significance.

NM_001042646.3(TRAK1):c.2506G>A (p.Val836Met)

Gene: TRAK1 (trafficking kinesin protein 1; plus strand). Cytogenetic location: 3p22.1.
Variant type: single nucleotide variant.
Coding change: c.2506G>A on transcript NM_001042646.3 (MANE Select); coding-DNA position 2506, G replaced by A.
Protein change: p.Val836Met; replaces valine 836 with methionine.
Molecular consequence: missense variant. On other transcripts: 3 prime UTR variant (1), non-coding transcript variant (1).
Genome position (GRCh38, 1-based): chr3:42,223,381, G>A. VCF-style: chr3-42223381-G-A. GRCh37 (hg19) VCF-style: chr3-42264873-G-A.
Other names: c.2131G>A, p.Val711Met (NM_001349245.1); c.2443G>A, p.Val815Met (NM_001349246.2); c.*460G>A (NM_001349247.2); c.2221G>A, p.Val741Met (NM_001349248.1); c.2284G>A, p.Val762Met (NM_001349249.1); c.2332G>A, p.Val778Met (NM_001410741.1); short protein forms V741M, V762M, V711M, V778M, V815M, V836M.
Identifiers: ClinVar variation 2197617 (VCV002197617.6), dbSNP rs369311365, ClinGen allele CA2333877.
Genomic context (GRCh38, chr3:42,223,381, plus strand): 5'-AGCTCCATCCTGAGGGAAGTGAGAGAAAAGAACGTCCGCAGCAGCGAGAGCCAGACCGAC[G>A]TGTCCGTCTCCAACCTCAACCTCGTGGACAAAGTCAGGAGGTTTGGGGTGGCCAAAGTGG-3'
Protein context (NP_001036111.1, residues 826-846): NVRSSESQTD[Val836Met]SVSNLNLVDK